The following is an entry in ClinVar:

ClinVar aggregate classification (germline): Likely benign. Review status: criteria provided, single submitter (1 of 4 stars). 2 submissions from 2 submitters: Likely benign (1). 1 of the submissions does not count toward it. Last evaluated 2022-06-26.

Conditions:
APC2-related disorder. Also called: APC2-Related Disorders; APC2-related condition.

Allele frequency attached by ClinVar (database versions not stated): gnomAD exomes 0.00001; ExAC 0.00001.
gnomAD v4.1: 5 of 1,579,838 alleles (0.00032%); highest among the groups gnomAD compares: Admixed American, 0.0051%; no homozygotes.

Submissions (2):

Labcorp Genetics (formerly Invitae), Labcorp
Classification: Likely benign. Last evaluated: 2022-06-26. Review status: criteria provided, single submitter. Criteria: Invitae Variant Classification Sherloc (09022015). Collection method: clinical testing. Allele origin: germline.

PreventionGenetics, part of Exact Sciences
Classification: Likely benign for APC2-related condition. Last evaluated: 2024-03-03. Review status: no assertion criteria provided. Collection method: clinical testing. Allele origin: germline. Not counted in ClinVar's aggregate classification.
Comment: This variant is classified as likely benign based on ACMG/AMP sequence variant interpretation guidelines (Richards et al. 2015 PMID: 25741868, with internal and published modifications).

NM_005883.3(APC2):c.3837C>T (p.Ser1279=)

Gene: APC2 (APC regulator of Wnt signaling pathway 2; plus strand). Cytogenetic location: 19p13.3.
Variant type: single nucleotide variant.
Coding change: c.3837C>T on transcript NM_005883.3 (MANE Select); coding-DNA position 3837, C replaced by T.
Protein change: p.Ser1279=; no amino-acid change (serine 1279 retained).
Molecular consequence: synonymous variant.
Genome position (GRCh38, 1-based): chr19:1,467,138, C>T. VCF-style: chr19-1467138-C-T. GRCh37 (hg19) VCF-style: chr19-1467137-C-T.
Other names: c.3837C>T (NM_005883.2); c.3834C>T, p.Ser1278= (NM_001351273.1).
Identifiers: ClinVar variation 2081099 (VCV002081099.6), dbSNP rs774181985, ClinGen allele CA9045749.